The following is an entry in ClinVar:

ClinVar aggregate classification (germline): Uncertain significance (1 of 4 stars; one submission).

Conditions:
Inborn genetic diseases. Identifiers: MedGen C0950123, MeSH D030342.

Submission:

Ambry Genetics
Classification: Uncertain significance for Inborn genetic diseases. Last evaluated: 2023-01-12. Review status: criteria provided, single submitter. Criteria: Ambry Variant Classification Scheme 2023. Collection method: clinical testing. Allele origin: germline.
Comment: The p.P2568S variant (also known as c.7702C>T), located in coding exon 46 of the ATR gene, results from a C to T substitution at nucleotide position 7702. The proline at codon 2568 is replaced by serine, an amino acid with similar properties. This amino acid position is conserved. In addition, this alteration is predicted to be tolerated by in silico analysis. Since supporting evidence is limited at this time, the clinical significance of this alteration remains unclear.

NM_001184.4(ATR):c.7702C>T (p.Pro2568Ser)

Gene: ATR (ATR checkpoint kinase; minus strand). Cytogenetic location: 3q23.
Variant type: single nucleotide variant.
Coding change: c.7702C>T on transcript NM_001184.4 (MANE Select); coding-DNA position 7702, C replaced by T.
Protein change: p.Pro2568Ser; replaces proline 2568 with serine.
Molecular consequence: missense variant.
Genome position (GRCh38, 1-based): chr3:142,453,187, G>A on the plus strand (C>T on the coding strand, the complement: ATR is on the minus strand). VCF-style: chr3-142453187-G-A. GRCh37 (hg19) VCF-style: chr3-142172029-G-A.
Other names: c.7510C>T, p.Pro2504Ser (NM_001354579.2); short protein forms P2504S, P2568S.
Identifiers: ClinVar variation 2453567 (VCV002453567.2), dbSNP rs2473023381, ClinGen allele CA354794137.